The following is an entry in ClinVar:

NM_020338.4(ZMIZ1):c.2945C>G (p.Pro982Arg)

Gene: ZMIZ1 (zinc finger MIZ-type containing 1; plus strand). Cytogenetic location: 10q22.3.
Variant type: single nucleotide variant.
Coding change: c.2945C>G on transcript NM_020338.4 (MANE Select); coding-DNA position 2945, C replaced by G.
Protein change: p.Pro982Arg; replaces proline 982 with arginine.
Molecular consequence: missense variant.
Genome position (GRCh38, 1-based): chr10:79,311,033, C>G. VCF-style: chr10-79311033-C-G. GRCh37 (hg19) VCF-style: chr10-81070790-C-G.
Other names: short protein forms P982R.
Identifiers: ClinVar variation 2862230 (VCV002862230.3), dbSNP rs2492252755, ClinGen allele CA377344465.

ClinVar aggregate classification (germline): Uncertain significance (1 of 4 stars; one submission).

gnomAD v4.1: 2 of 1,613,670 alleles (0.00012%); highest among the groups gnomAD compares: Non-Finnish European, 0.00017%; no homozygotes.

Submission:

Labcorp Genetics (formerly Invitae), Labcorp
Classification: Uncertain significance. Last evaluated: 2025-06-23. Review status: criteria provided, single submitter. Criteria: Invitae Variant Classification Sherloc (09022015). Collection method: clinical testing. Allele origin: germline.
Comment: This sequence change replaces proline, which is neutral and non-polar, with arginine, which is basic and polar, at codon 982 of the ZMIZ1 protein (p.Pro982Arg). This variant is not present in population databases (gnomAD no frequency). This variant has not been reported in the literature in individuals affected with ZMIZ1-related conditions. ClinVar contains an entry for this variant (Variation ID: 2862230). Invitae Evidence Modeling of protein sequence and biophysical properties (such as structural, functional, and spatial information, amino acid conservation, physicochemical variation, residue mobility, and thermodynamic stability) indicates that this missense variant is not expected to disrupt ZMIZ1 protein function with a negative predictive value of 95%. In summary, the available evidence is currently insufficient to determine the role of this variant in disease. Therefore, it has been classified as a Variant of Uncertain Significance.